The following is an entry in ClinVar:

NM_004787.4(SLIT2):c.1584G>A (p.Pro528=)

Gene: SLIT2 (slit guidance ligand 2; plus strand). Cytogenetic location: 4p15.31.
Variant type: single nucleotide variant.
Coding change: c.1584G>A on transcript NM_004787.4 (MANE Select); coding-DNA position 1584, G replaced by A.
Protein change: p.Pro528=; no amino-acid change (proline 528 retained).
Molecular consequence: synonymous variant.
Genome position (GRCh38, 1-based): chr4:20,529,070, G>A. VCF-style: chr4-20529070-G-A. GRCh37 (hg19) VCF-style: chr4-20530693-G-A.
Other names: c.1572G>A, p.Pro524= (NM_001289135.3); c.1560G>A, p.Pro520= (NM_001289136.3).
Identifiers: ClinVar variation 779875 (VCV000779875.12), dbSNP rs74787220, ClinGen allele CA2871533.

ClinVar aggregate classification (germline): Benign. Review status: criteria provided, multiple submitters, no conflicts (2 of 4 stars). 3 submissions from 3 submitters: Benign (2). 1 of the submissions does not count toward it. Last evaluated 2026-01-26.

Conditions:
SLIT2-related disorder. Also called: SLIT2-related condition.

Allele frequency attached by ClinVar (database versions not stated): ESP Exome Variant Server 0.00031; gnomAD exomes 0.00094 and 0.00256; gnomAD 0.00113 and 0.00134; TOPMed 0.00175; ExAC 0.00253; 1000 Genomes Project 30x 0.00359; 1000 Genomes Project 0.00399.
gnomAD v4.1: 1,763 of 1,613,690 alleles (0.11%); highest among the groups gnomAD compares: East Asian, 3.1%; 24 homozygotes.

Submissions (3):

Labcorp Genetics (formerly Invitae), Labcorp
Classification: Benign. Last evaluated: 2026-01-26. Review status: criteria provided, single submitter. Criteria: Invitae Variant Classification Sherloc (09022015). Collection method: clinical testing. Allele origin: germline.

Breakthrough Genomics
Classification: Benign. Review status: criteria provided, single submitter. Criteria: ACMG Guidelines, 2015. Collection method: not provided. Allele origin: germline. Inheritance: Unknown mechanism. Affected: yes.

PreventionGenetics, part of Exact Sciences
Classification: Benign for SLIT2-related condition. Last evaluated: 2021-05-04. Review status: no assertion criteria provided. Collection method: clinical testing. Allele origin: germline. Not counted in ClinVar's aggregate classification.
Comment: This variant is classified as benign based on ACMG/AMP sequence variant interpretation guidelines (Richards et al. 2015 PMID: 25741868, with internal and published modifications).